The following is an entry in ClinVar:

ClinVar aggregate classification (germline): Likely benign (1 of 4 stars; one submission).

Allele frequency attached by ClinVar (database versions not stated): 1000 Genomes Project 0.00300; TOPMed 0.00308; 1000 Genomes Project 30x 0.00312; gnomAD 0.00335.
gnomAD v4.1: 4,846 of 1,196,992 alleles (0.4%); highest among the groups gnomAD compares: Middle Eastern, 0.7%; 13 homozygotes.

Submission:

CeGaT Center for Human Genetics Tuebingen
Classification: Likely benign. Last evaluated: 2023-03-01. Review status: criteria provided, single submitter. Criteria: CeGaT Center For Human Genetics Tuebingen Variant Classification Criteria Version 2. Collection method: clinical testing. Allele origin: germline. Affected: yes. Observed: 1 variant allele.
Comment: LONRF2: BS2

NM_198461.4(LONRF2):c.391G>A (p.Ala131Thr)

Gene: LONRF2 (LON peptidase N-terminal domain and ring finger 2; minus strand). Cytogenetic location: 2q11.2.
Variant type: single nucleotide variant.
Coding change: c.391G>A on transcript NM_198461.4 (MANE Select); coding-DNA position 391, G replaced by A.
Protein change: p.Ala131Thr; replaces alanine 131 with threonine.
Molecular consequence: missense variant. On other transcripts: 5 prime UTR variant (1).
Genome position (GRCh38, 1-based): chr2:100,321,703, C>T on the plus strand (G>A on the coding strand, the complement: LONRF2 is on the minus strand). VCF-style: chr2-100321703-C-T. GRCh37 (hg19) VCF-style: chr2-100938165-C-T.
Other names: c.-381G>A (NM_001371783.1); short protein forms A131T.
Identifiers: ClinVar variation 2651207 (VCV002651207.24), dbSNP rs560279181, ClinGen allele CA1802151.